The following is an entry in ClinVar:

ClinVar aggregate classification (germline): Pathogenic/Likely pathogenic. Review status: criteria provided, multiple submitters, no conflicts (2 of 4 stars). 2 submissions from 2 submitters: Pathogenic (1); Likely pathogenic (1). Last evaluated 2024-08-31.

Conditions:
Maple syrup urine disease (MSUD). Identifiers: Orphanet 511, MedGen C0024776, MeSH D008375, MONDO:0009563. Disease mechanism: loss of function.
Maple syrup urine disease type 2 (MSUD2). Also called: Maple syrup urine disease, type II. Identifiers: MedGen C1855371, MONDO:0023693, OMIM 620699.

gnomAD v4.1: 1 of 1,614,216 alleles (0.000062%); highest among the groups gnomAD compares: East Asian, 0.0022%; no homozygotes.

Submissions (2):

Labcorp Genetics (formerly Invitae), Labcorp
Classification: Pathogenic for Maple syrup urine disease. Last evaluated: 2024-08-31. Review status: criteria provided, single submitter. Criteria: Invitae Variant Classification Sherloc (09022015). Collection method: clinical testing. Allele origin: germline.
Comment: This sequence change creates a premature translational stop signal (p.Trp10*) in the DBT gene. It is expected to result in an absent or disrupted protein product. Loss-of-function variants in DBT are known to be pathogenic (PMID: 16579849, 16786533). This variant is not present in population databases (gnomAD no frequency). This premature translational stop signal has been observed in individual(s) with maple syrup urine disease (PMID: 32812330). For these reasons, this variant has been classified as Pathogenic.

Genomic Medicine Center of Excellence, King Faisal Specialist Hospital and Research Centre
Classification: Likely pathogenic for Maple syrup urine disease type 2. Last evaluated: 2024-03-17. Review status: criteria provided, single submitter. Criteria: ACMG Guidelines, 2015. Collection method: research. Allele origin: germline.

Literature cited by the submitters: PubMed 16579849 (cited by Labcorp Genetics (formerly Invitae), Labcorp); PubMed 16786533 (cited by Labcorp Genetics (formerly Invitae), Labcorp); PubMed 32812330 (cited by Labcorp Genetics (formerly Invitae), Labcorp).

NM_001918.5(DBT):c.30G>A (p.Trp10Ter)

Gene: DBT (dihydrolipoamide branched chain transacylase E2; minus strand). Cytogenetic location: 1p21.2.
Variant type: single nucleotide variant.
Coding change: c.30G>A on transcript NM_001918.5 (MANE Select); coding-DNA position 30, G replaced by A.
Protein change: p.Trp10Ter; replaces tryptophan 10 with a stop codon.
Molecular consequence: nonsense. On other transcripts: 5 prime UTR variant (2), non-coding transcript variant (4).
Genome position (GRCh38, 1-based): chr1:100,249,791, C>T on the plus strand (G>A on the coding strand, the complement: DBT is on the minus strand). VCF-style: chr1-100249791-C-T. GRCh37 (hg19) VCF-style: chr1-100715347-C-T.
Other names: c.-701G>A (NM_001399969.1); c.-574G>A (NM_001399972.1); short protein forms W10*.
Identifiers: ClinVar variation 3064163 (VCV003064163.4), dbSNP rs1250753300, ClinGen allele CA341348427.